The following is an entry in ClinVar:

ClinVar aggregate classification (germline): Likely benign. Review status: criteria provided, multiple submitters, no conflicts (2 of 4 stars). 3 submissions from 3 submitters: Likely benign (2). 1 of the submissions does not count toward it. Last evaluated 2019-02-13.

Conditions:
SCN8A-related disorder.
Early-infantile DEE. Also called: Early infantile epileptic encephalopathy; Ohtahara syndrome; Early infantile epileptic encephalopathy with suppression bursts. Identifiers: Orphanet 1934, MedGen C0393706, MONDO:0800491.

Allele frequency attached by ClinVar (database versions not stated): TOPMed below 0.00001; gnomAD 0.00001.
gnomAD v4.1: 1 of 1,613,884 alleles (0.000062%); no homozygotes.

Submissions (3):

Labcorp Genetics (formerly Invitae), Labcorp
Classification: Likely benign for Early-infantile DEE. Last evaluated: 2019-02-13. Review status: criteria provided, single submitter. Criteria: Invitae Variant Classification Sherloc (09022015). Collection method: clinical testing. Allele origin: germline.

GeneDx
Classification: Likely benign. Last evaluated: 2018-01-02. Review status: criteria provided, single submitter. Criteria: GeneDx Variant Classification (06012015). Collection method: clinical testing. Allele origin: germline. Affected: yes.
Comment: This variant is considered likely benign or benign based on one or more of the following criteria: it is a conservative change, it occurs at a poorly conserved position in the protein, it is predicted to be benign by multiple in silico algorithms, and/or has population frequency not consistent with disease.

PreventionGenetics, part of Exact Sciences
Classification: Likely benign for SCN8A-related condition. Last evaluated: 2023-05-27. Review status: no assertion criteria provided. Collection method: clinical testing. Allele origin: germline. Not counted in ClinVar's aggregate classification.
Comment: This variant is classified as likely benign based on ACMG/AMP sequence variant interpretation guidelines (Richards et al. 2015 PMID: 25741868, with internal and published modifications).

NM_001330260.2(SCN8A):c.768C>A (p.Ile256=)

Gene: SCN8A (sodium voltage-gated channel alpha subunit 8; plus strand). Cytogenetic location: 12q13.13.
Variant type: single nucleotide variant.
Coding change: c.768C>A on transcript NM_001330260.2 (MANE Select); coding-DNA position 768, C replaced by A.
Protein change: p.Ile256=; no amino-acid change (isoleucine 256 retained).
Molecular consequence: synonymous variant.
Genome position (GRCh38, 1-based): chr12:51,699,631, C>A. VCF-style: chr12-51699631-C-A. GRCh37 (hg19) VCF-style: chr12-52093415-C-A.
Other names: c.768C>A, p.Ile256= (NM_001177984.3, NM_001369788.1, NM_014191.4).
Identifiers: ClinVar variation 514358 (VCV000514358.14), dbSNP rs1231477580, ClinGen allele CA480025560.